The following is an entry in ClinVar:

NM_001426.4(EN1):c.183G>A (p.Ala61=)

Gene: EN1 (engrailed homeobox 1; minus strand). Cytogenetic location: 2q14.2.
Variant type: single nucleotide variant.
Coding change: c.183G>A on transcript NM_001426.4 (MANE Select); coding-DNA position 183, G replaced by A.
Protein change: p.Ala61=; no amino-acid change (alanine 61 retained).
Molecular consequence: synonymous variant.
Genome position (GRCh38, 1-based): chr2:118,846,985, C>T on the plus strand (G>A on the coding strand, the complement: EN1 is on the minus strand). VCF-style: chr2-118846985-C-T. GRCh37 (hg19) VCF-style: chr2-119604561-C-T.
Identifiers: ClinVar variation 3025567 (VCV003025567.22), dbSNP rs764736993, ClinGen allele CA1845479.

ClinVar aggregate classification (germline): Likely benign (1 of 4 stars; one submission).

Allele frequency attached by ClinVar (database versions not stated): ExAC 0.00075.
gnomAD v4.1: 746 of 1,355,836 alleles (0.055%); highest among the groups gnomAD compares: Non-Finnish European, 0.066%; no homozygotes.

Submission:

CeGaT Center for Human Genetics Tuebingen
Classification: Likely benign. Last evaluated: 2023-12-01. Review status: criteria provided, single submitter. Criteria: CeGaT Center For Human Genetics Tuebingen Variant Classification Criteria Version 2. Collection method: clinical testing. Allele origin: germline. Affected: yes. Observed: 1 variant allele.
Comment: EN1: BP4, BP7